The following is an entry in ClinVar:

ClinVar aggregate classification (germline): Uncertain significance. Review status: criteria provided, multiple submitters, no conflicts (2 of 4 stars). 2 submissions from 2 submitters: Uncertain significance (2). Last evaluated 2023-10-25.

Allele frequency attached by ClinVar (database versions not stated): gnomAD 0.00001; TOPMed 0.00001.
gnomAD v4.1: 11 of 1,613,530 alleles (0.00068%); highest among the groups gnomAD compares: Non-Finnish European, 0.00085%; no homozygotes.

Submissions (2):

GeneDx
Classification: Uncertain significance. Last evaluated: 2023-10-25. Review status: criteria provided, single submitter. Criteria: GeneDx Variant Classification Process June 2021. Collection method: clinical testing. Allele origin: germline. Affected: yes.
Comment: Not observed at significant frequency in large population cohorts (gnomAD); Missense variant in a gene in which most reported pathogenic variants are truncating/loss of function; Has not been previously published as pathogenic or benign to our knowledge; This variant is associated with the following publications: (PMID: 23975875)

CeGaT Center for Human Genetics Tuebingen
Classification: Uncertain significance. Last evaluated: 2022-07-01. Review status: criteria provided, single submitter. Criteria: CeGaT Center For Human Genetics Tuebingen Variant Classification Criteria Version 2. Collection method: clinical testing. Allele origin: germline. Affected: yes. Observed: 1 variant allele.
Comment: TTN: PM2:Supporting

NM_001267550.2(TTN):c.29897A>T (p.Lys9966Ile)

Gene: TTN (titin; minus strand). Cytogenetic location: 2q31.2.
Variant type: single nucleotide variant.
Coding change: c.29897A>T on transcript NM_001267550.2 (MANE Select); coding-DNA position 29897, A replaced by T.
Protein change: p.Lys9966Ile; replaces lysine 9966 with isoleucine.
Molecular consequence: missense variant. On other transcripts: intron variant (3).
Genome position (GRCh38, 1-based): chr2:178,704,575, T>A on the plus strand (A>T on the coding strand, the complement: TTN is on the minus strand). VCF-style: chr2-178704575-T-A. GRCh37 (hg19) VCF-style: chr2-179569302-T-A.
Other names: c.28946A>T, p.Lys9649Ile (NM_001256850.1); c.26165A>T, p.Lys8722Ile (NM_133378.4); c.13282+33507A>T (NM_003319.4); c.13858+33507A>T (NM_133437.4); c.13657+33507A>T (NM_133432.3); short protein forms K8722I, K9649I, K9966I.
Identifiers: ClinVar variation 2651673 (VCV002651673.25), dbSNP rs1400936440, ClinGen allele CA349577316.
Genomic context (GRCh38, chr2:178,704,575, plus strand): 5'-ACAGTTAGTTTAGCGCTAGCGATGTGTGGACCACAAACCAATCGATAATTGCCCTGGTCT[T>A]TAAGTTGACAGTTTTTGACTCTGAGTGTATGTCGGTCACCATCAATGCTTATTTCAAATT-3'
Protein context (NP_001254479.2, residues 9956-9976): HTLRVKNCQL[Lys9966Ile]DQGNYRLVCG